The following is an entry in ClinVar:

ClinVar aggregate classification (germline): Uncertain significance. Review status: criteria provided, multiple submitters, no conflicts (2 of 4 stars). 2 submissions from 2 submitters: Uncertain significance (2). Last evaluated 2025-07-30.

Conditions:
MAGEL2-related disorder. Also called: MAGEL2-related condition.

Allele frequency attached by ClinVar (database versions not stated): gnomAD exomes below 0.00001; gnomAD 0.00001; TOPMed 0.00001.
gnomAD v4.1: 7 of 1,613,486 alleles (0.00043%); highest among the groups gnomAD compares: Middle Eastern, 0.016%; no homozygotes.

Submissions (2):

PreventionGenetics, part of Exact Sciences
Classification: Uncertain significance for MAGEL2-related condition. Last evaluated: 2025-07-30. Review status: criteria provided, single submitter. Criteria: ACMG Guidelines, 2015. Collection method: clinical testing. Allele origin: germline.
Comment: The MAGEL2 c.3430C>T variant is predicted to result in the amino acid substitution p.Arg1144Trp. To our knowledge, this variant has not been reported in the literature. This variant is reported in 0.0097% of alleles in individuals of Ashkenazi Jewish descent in gnomAD. At this time, the clinical significance of this variant is uncertain due to the absence of conclusive functional and genetic evidence.

Labcorp Genetics (formerly Invitae), Labcorp
Classification: Uncertain significance. Last evaluated: 2022-11-07. Review status: criteria provided, single submitter. Criteria: Invitae Variant Classification Sherloc (09022015). Collection method: clinical testing. Allele origin: germline.
Comment: In summary, the available evidence is currently insufficient to determine the role of this variant in disease. Therefore, it has been classified as a Variant of Uncertain Significance. Advanced modeling of protein sequence and biophysical properties (such as structural, functional, and spatial information, amino acid conservation, physicochemical variation, residue mobility, and thermodynamic stability) performed at Invitae indicates that this missense variant is not expected to disrupt MAGEL2 protein function. This variant has not been reported in the literature in individuals affected with MAGEL2-related conditions. This variant is present in population databases (no rsID available, gnomAD 0.01%). This sequence change replaces arginine, which is basic and polar, with tryptophan, which is neutral and slightly polar, at codon 1144 of the MAGEL2 protein (p.Arg1144Trp).

NM_019066.5(MAGEL2):c.3430C>T (p.Arg1144Trp)

Gene: MAGEL2 (MAGE family member L2; minus strand). Cytogenetic location: 15q11.2.
Variant type: single nucleotide variant.
Coding change: c.3430C>T on transcript NM_019066.5 (MANE Select); coding-DNA position 3430, C replaced by T.
Protein change: p.Arg1144Trp; replaces arginine 1144 with tryptophan.
Molecular consequence: missense variant.
Genome position (GRCh38, 1-based): chr15:23,644,313, G>A on the plus strand (C>T on the coding strand, the complement: MAGEL2 is on the minus strand). VCF-style: chr15-23644313-G-A. GRCh37 (hg19) VCF-style: chr15-23889460-G-A.
Other names: c.3430C>T (NM_019066.4); short protein forms R1144W.
Identifiers: ClinVar variation 2998737 (VCV002998737.4), dbSNP rs1170449979, ClinGen allele CA391323299.
Genomic context (GRCh38, chr15:23,644,313, plus strand): 5'-GCCTGACAAACACTTCGGTGATGAGCTTCTTAGTATTTCCAAAGAGACCGTTTGTCTCCC[G>A]GACATCCAACCCTAACTTGAACAGAAAATTAAAGATCAGATCCTCCCTGACACAGTTGCC-3'
Protein context (NP_061939.3, residues 1134-1154): NFLFKLGLDV[Arg1144Trp]ETNGLFGNTK